The following is an entry in ClinVar:

ClinVar aggregate classification (germline): Uncertain significance (1 of 4 stars; one submission).

Conditions:
Familial adenomatous polyposis 1 (FAP1). Also called: FAMILIAL ADENOMATOUS POLYPOSIS 1, ATTENUATED; POLYPOSIS, ADENOMATOUS INTESTINAL. Identifiers: MedGen C2713442, MONDO:0021056, OMIM 175100. Disease mechanism: loss of function.

Submission:

Labcorp Genetics (formerly Invitae), Labcorp
Classification: Uncertain significance for Familial adenomatous polyposis 1. Last evaluated: 2022-12-14. Review status: criteria provided, single submitter. Criteria: Invitae Variant Classification Sherloc (09022015). Collection method: clinical testing. Allele origin: germline.
Comment: This sequence change replaces threonine, which is neutral and polar, with arginine, which is basic and polar, at codon 562 of the APC protein (p.Thr562Arg). This variant is not present in population databases (gnomAD no frequency). This variant has not been reported in the literature in individuals affected with APC-related conditions. Advanced modeling of protein sequence and biophysical properties (such as structural, functional, and spatial information, amino acid conservation, physicochemical variation, residue mobility, and thermodynamic stability) performed at Invitae indicates that this missense variant is not expected to disrupt APC protein function. In summary, the available evidence is currently insufficient to determine the role of this variant in disease. Therefore, it has been classified as a Variant of Uncertain Significance.

NM_000038.6(APC):c.1685C>G (p.Thr562Arg)

Gene: APC (APC regulator of Wnt signaling pathway; plus strand). Cytogenetic location: 5q22.2.
Variant type: single nucleotide variant.
Coding change: c.1685C>G on transcript NM_000038.6 (MANE Select); coding-DNA position 1685, C replaced by G.
Protein change: p.Thr562Arg; replaces threonine 562 with arginine.
Molecular consequence: missense variant.
Genome position (GRCh38, 1-based): chr5:112,828,914, C>G. VCF-style: chr5-112828914-C-G. GRCh37 (hg19) VCF-style: chr5-112164611-C-G.
Other names: c.1610C>G, p.Thr537Arg (NM_001354898.2); c.1739C>G, p.Thr580Arg (NM_001354896.2, NM_001407447.1, NM_001407448.1 and 1 more transcripts); c.1715C>G, p.Thr572Arg (NM_001354897.2); c.1631C>G, p.Thr544Arg (NM_001127511.3); c.1685C>G, p.Thr562Arg (NM_001354895.2, NM_001127510.3, NM_001407450.1); c.1601C>G, p.Thr534Arg (NM_001354899.2); c.1562C>G, p.Thr521Arg (NM_001354900.2); c.1508C>G, p.Thr503Arg (NM_001354901.2, NM_001407453.1); and 11 more; short protein forms T402R, T461R, T537R, T552R, T479R, T503R, T544R, T562R.
Identifiers: ClinVar variation 2820835 (VCV002820835.3), dbSNP rs587783034, ClinGen allele CA16024994.
Genomic context (GRCh38, chr5:112,828,914, plus strand): 5'-AGGTTATTGCGAGTGTTTTGAGGAATTTGTCTTGGCGAGCAGATGTAAATAGTAAAAAGA[C>G]GTTGCGAGAAGTTGGAAGTGTGAAAGCATTGATGGAATGTGCTTTAGAAGTTAAAAAGGT-3'
Protein context (NP_000029.2, residues 552-572): SWRADVNSKK[Thr562Arg]LREVGSVKAL